The following is an entry in ClinVar:

NM_003114.5(SPAG1):c.1186G>A (p.Gly396Ser)

Genes: SPAG1 (sperm associated antigen 1; plus strand), LOC130000832 (ATAC-STARR-seq lymphoblastoid silent region 19412; plus strand). Cytogenetic location: 8q22.2.
Variant type: single nucleotide variant.
Coding change: c.1186G>A on transcript NM_003114.5 (MANE Select); coding-DNA position 1186, G replaced by A.
Protein change: p.Gly396Ser; replaces glycine 396 with serine.
Molecular consequence: missense variant.
Genome position (GRCh38, 1-based): chr8:100,213,179, G>A. VCF-style: chr8-100213179-G-A. GRCh37 (hg19) VCF-style: chr8-101225407-G-A.
Other names: c.1186G>A, p.Gly396Ser (NM_001374321.1, NM_172218.3); short protein forms G396S.
Identifiers: ClinVar variation 4766432 (VCV004766432.1).

ClinVar aggregate classification (germline): Uncertain significance (1 of 4 stars; one submission).

Conditions:
Primary ciliary dyskinesia 28. Also called: CILIARY DYSKINESIA, PRIMARY, 28, WITH OR WITHOUT SITUS INVERSUS. Identifiers: Orphanet 244, MedGen C3809706, MONDO:0014216, OMIM 615505.

Submission:

Labcorp Genetics (formerly Invitae), Labcorp
Classification: Uncertain significance for Primary ciliary dyskinesia 28. Last evaluated: 2025-05-12. Review status: criteria provided, single submitter. Criteria: Invitae Variant Classification Sherloc (09022015). Collection method: clinical testing. Allele origin: germline.
Comment: This sequence change replaces glycine, which is neutral and non-polar, with serine, which is neutral and polar, at codon 396 of the SPAG1 protein (p.Gly396Ser). This variant is not present in population databases (gnomAD no frequency). This variant has not been reported in the literature in individuals affected with SPAG1-related conditions. Invitae Evidence Modeling of protein sequence and biophysical properties (such as structural, functional, and spatial information, amino acid conservation, physicochemical variation, residue mobility, and thermodynamic stability) indicates that this missense variant is not expected to disrupt SPAG1 protein function with a negative predictive value of 80%. In summary, the available evidence is currently insufficient to determine the role of this variant in disease. Therefore, it has been classified as a Variant of Uncertain Significance.